The following is an entry in ClinVar:

ClinVar aggregate classification (germline): Uncertain significance (0 of 4 stars; one submission).

Submission:

Diagnostics Centre, Carl Von Ossietzky University Oldenburg
Classification: Uncertain significance. Last evaluated: 2025-01-23. Review status: no assertion criteria provided. Collection method: clinical testing. Allele origin: germline. Affected: yes. Observed: 1 variant allele.
Comment: The identified alteration is an approximately 4.5 kb heterozygous deletion affecting exon 3 of the TPM1 gene. Loss of exon 3 is predicted to result in a frameshift, leading to degradation of the altered transcript via nonsense-mediated mRNA decay (NMD). Haploinsufficiency and loss-of-function are not established disease mechanisms for this gene. No comparable deletions of similar size and position have been reported in the ClinVar and other public population databases (gnomAD, DGV, DECIPHER). In summary, this variant is classified as a variant of uncertain significance (VUS).

GRCh38/hg38 15q22.2(chr15:63053731-63057785)x1

Gene: TPM1 (tropomyosin 1; plus strand). Cytogenetic location: 15q22.2.
Variant type: copy number loss.
Change: copy number 1 (one copy instead of two) of chr15:63,053,731-63,057,785 (4.1 kb, GRCh38 coordinates, 1-based), cytogenetic band 15q22.2.
Identifiers: ClinVar variation 4886785 (VCV004886785.1).